The following is an entry in ClinVar:

NM_000179.3(MSH6):c.3957dup (p.Ala1320fs)

Gene: MSH6 (mutS homolog 6; plus strand). Cytogenetic location: 2p16.3.
Variant type: Duplication.
Coding change: c.3957dup on transcript NM_000179.3 (MANE Select); coding-DNA position 3957, one base duplicated (A; older notation c.3957dupA).
Protein change: p.Ala1320fs; shifts the reading frame from alanine 1320.
Molecular consequence: frameshift variant.
Genome position (GRCh38, 1-based): chr2:47,806,607, A duplicated; the last of 4 consecutive A bases (chr2:47,806,604-47,806,607); duplicating any one gives the same sequence. VCF-style (leftmost placement, unchanged base first): chr2-47806603-G-GA. GRCh37 (hg19) VCF-style: chr2-48033742-G-GA.
Other names: c.3957dupA (NM_000179.2); c.3567dup, p.Ala1190fs (NM_001281492.2); c.3051dup, p.Ala1018fs (NM_001281493.2, NM_001281494.2); short protein forms A1018fs, A1190fs, A1320fs.
Identifiers: ClinVar variation 433931 (VCV000433931.11), dbSNP rs587779297, ClinGen allele CA072375.

ClinVar aggregate classification (germline): Pathogenic/Likely pathogenic. Review status: criteria provided, multiple submitters, no conflicts (2 of 4 stars). 5 submissions from 5 submitters: Pathogenic (2); Likely pathogenic (2). 1 of the submissions does not count toward it. Last evaluated 2023-08-28.

Conditions:
Hereditary cancer-predisposing syndrome. Also called: Hereditary neoplastic syndrome; Hereditary Cancer Syndrome; Tumor predisposition; Neoplastic Syndromes, Hereditary. Identifiers: Orphanet 140162, MedGen C0027672, MeSH D009386, MONDO:0015356.
Hereditary nonpolyposis colorectal neoplasms. Identifiers: MedGen C0009405, MeSH D003123.
Lynch syndrome 5 (LYNCH5). Also called: Colorectal cancer, hereditary nonpolyposis, type 5; Hereditary non-polyposis colorectal cancer, type 5. Identifiers: Orphanet 144, MedGen C1833477, MONDO:0013710, OMIM 614350. Disease mechanism: loss of function.
Carcinoma of colon (CRC). Also called: Colon carcinoma; Colonic carcinoma. Identifiers: MedGen C0699790, MONDO:0002032.
Endometrial carcinoma. Also called: Endometrial carcinoma, somatic. Identifiers: MedGen C0476089, MONDO:0002447, OMIM 608089, HP:0012114.

Submissions (5):

Myriad Genetics, Inc.
Classification: Pathogenic for Lynch syndrome 5. Last evaluated: 2023-08-28. Review status: criteria provided, single submitter. Criteria: Myriad Autosomal Dominant, Autosomal Recessive and X-Linked Classification Criteria (2023). Collection method: clinical testing. Allele origin: unknown.
Comment: This variant is considered pathogenic. This variant creates a frameshift predicted to result in premature protein truncation.

Ambry Genetics
Classification: Likely pathogenic for Hereditary cancer-predisposing syndrome. Last evaluated: 2023-06-06. Review status: criteria provided, single submitter. Criteria: Ambry Variant Classification Scheme 2023. Collection method: clinical testing. Allele origin: germline.
Comment: The c.3957dupA variant, located in coding exon 9 of the MSH6 gene, results from a duplication of A at nucleotide position 3957, causing a translational frameshift with a predicted alternate stop codon (p.A1320Sfs*5). This alteration occurs at the 3' terminus of theMSH6 gene, is not expected to trigger nonsense-mediated mRNA decay, and only impacts the last 41 amino acids of the protein. However, premature stop codons are typically deleterious in nature and the impacted region is critical for protein function (Ambry internal data). Based on the majority of available evidence to date, this variant is likely to be pathogenic.

Labcorp Genetics (formerly Invitae), Labcorp
Classification: Pathogenic for Hereditary nonpolyposis colorectal neoplasms. Last evaluated: 2022-02-23. Review status: criteria provided, single submitter. Criteria: Invitae Variant Classification Sherloc (09022015). Collection method: clinical testing. Allele origin: germline.
Comment: This premature translational stop signal has been observed in individual(s) with breast cancer, endometrial and ovarian cancer, and/or Lynch syndrome (PMID: 18809606, 19459153, 25186627, 25980754, 26552419, 26681312, 26845104, 27456091). For these reasons, this variant has been classified as Pathogenic. This variant disrupts a region of the MSH6 protein in which other variant(s) (p.Ala1320Glufs*6) have been determined to be pathogenic (PMID: 21155762). This suggests that this is a clinically significant region of the protein, and that variants that disrupt it are likely to be disease-causing. ClinVar contains an entry for this variant (Variation ID: 433931). This variant is present in population databases (rs587779297, gnomAD 0.0009%). This sequence change creates a premature translational stop signal (p.Ala1320Serfs*5) in the MSH6 gene. While this is not anticipated to result in nonsense mediated decay, it is expected to disrupt the last 41 amino acid(s) of the MSH6 protein.

Baylor Genetics
Classification: Likely pathogenic for Endometrial carcinoma. Last evaluated: 2021-06-11. Review status: criteria provided, single submitter. Criteria: ACMG Guidelines, 2015. Collection method: clinical testing. Allele origin: unknown.

Department of Pathology and Laboratory Medicine, Sinai Health System
Classification: Pathogenic for Carcinoma of colon. Review status: no assertion criteria provided. Collection method: clinical testing. Allele origin: unknown. Affected: yes. Observed: 1 variant allele. Study: The Canadian Open Genetics Repository (COGR). Not counted in ClinVar's aggregate classification.
Comment: The p.Ala1320SerfsX5 variant was not identified in the literature. It was identified in one database, inSIGHT Colon Cancer database 1X as a pathogenic variant and associated with an MSI-H tumour. It was not identified in any of the following databases: dbSNP, 1000 Genomes Project, NHLBI Exome Sequencing Project (Exome Variant Server), Exome Aggregation Consortium (ExAC) database, HGMD, COSMIC, MutDB, â€šÃ„ÃºMismatch Repair Genes Variant Databaseâ€šÃ„Ã¹, â€šÃ„ÃºMMR Gene Unclassified Variants Databaseâ€šÃ„Ã¹, â€šÃ„ÃºZhejiang Colon Cancer Databaseâ€šÃ„Ã¹, the ClinVar database, GeneInsight VariantWire database, and UMD. The p.Ala1320SerfsX5 duplication variant is predicted to cause a frameshift, which alters the protein's amino acid sequence beginning at codon 1320 and leads to a premature stop codon 5 codons downstream. This alteration is then predicted to result in a truncated or absent protein and loss of function. Loss of function variants of the MSH6 gene are an established mechanism of disease in Lynch syndrome and this is the type of variant expected to cause the disorder. In summary, based on the above information, this variant meets our laboratoryâ€šÃ„Ã´s criteria to be classified as pathogenic.

Literature cited by the submitters: PubMed 18809606 (cited by Labcorp Genetics (formerly Invitae), Labcorp); PubMed 19459153 (cited by Labcorp Genetics (formerly Invitae), Labcorp); PubMed 25186627 (cited by Labcorp Genetics (formerly Invitae), Labcorp); PubMed 25980754 (cited by Labcorp Genetics (formerly Invitae), Labcorp); PubMed 26552419 (cited by Labcorp Genetics (formerly Invitae), Labcorp); PubMed 26681312 (cited by Labcorp Genetics (formerly Invitae), Labcorp); PubMed 26845104 (cited by Labcorp Genetics (formerly Invitae), Labcorp); PubMed 27456091 (cited by Labcorp Genetics (formerly Invitae), Labcorp); PubMed 21155762 (cited by Labcorp Genetics (formerly Invitae), Labcorp).